The following is an entry in ClinVar:

NM_015978.3(TNNI3K):c.1729C>G (p.Leu577Val)

Genes: FPGT-TNNI3K (FPGT-TNNI3K readthrough; plus strand), TNNI3K (TNNI3 interacting kinase; plus strand). Cytogenetic location: 1p31.1.
Variant type: single nucleotide variant.
Coding change: c.1729C>G on transcript NM_015978.3 (MANE Select); coding-DNA position 1729, C replaced by G.
Protein change: p.Leu577Val; replaces leucine 577 with valine.
Molecular consequence: missense variant.
Genome position (GRCh38, 1-based): chr1:74,370,349, C>G. VCF-style: chr1-74370349-C-G. GRCh37 (hg19) VCF-style: chr1-74836033-C-G.
Other names: c.2032C>G, p.Leu678Val (NM_001112808.3, NM_001199327.2); short protein forms L678V, L577V.
Identifiers: ClinVar variation 1904096 (VCV001904096.7), dbSNP rs201010209, ClinGen allele CA909381.

ClinVar aggregate classification (germline): Uncertain significance. Review status: criteria provided, multiple submitters, no conflicts (2 of 4 stars). 3 submissions from 3 submitters: Uncertain significance (3). Last evaluated 2025-12-24.

Conditions:
Inborn genetic diseases. Identifiers: MedGen C0950123, MeSH D030342.

Allele frequency attached by ClinVar (database versions not stated): gnomAD 0.00002; ExAC 0.00003; ESP Exome Variant Server 0.00015.
gnomAD v4.1: 33 of 1,607,728 alleles (0.0021%); highest among the groups gnomAD compares: Non-Finnish European, 0.0027%; no homozygotes.

Submissions (3):

Labcorp Genetics (formerly Invitae), Labcorp
Classification: Uncertain significance. Last evaluated: 2025-12-24. Review status: criteria provided, single submitter. Criteria: Invitae Variant Classification Sherloc (09022015). Collection method: clinical testing. Allele origin: germline.
Comment: This sequence change replaces leucine, which is neutral and non-polar, with valine, which is neutral and non-polar, at codon 577 of the TNNI3K protein (p.Leu577Val). This variant is present in population databases (rs201010209, gnomAD 0.007%). This missense change has been observed in individual(s) with clinical features of TNNI3K-related conditions (internal data). ClinVar contains an entry for this variant (Variation ID: 1904096). Invitae Evidence Modeling of protein sequence and biophysical properties (such as structural, functional, and spatial information, amino acid conservation, physicochemical variation, residue mobility, and thermodynamic stability) has been performed for this missense variant. However, the output from this modeling did not meet the statistical confidence thresholds required to predict the impact of this variant on TNNI3K protein function. This variant disrupts the p.Leu577 amino acid residue in TNNI3K. Other variant(s) that disrupt this residue have been determined to be pathogenic (PMID: 38424693). This suggests that this residue is clinically significant, and that variants that disrupt this residue are likely to be disease-causing. In summary, the available evidence is currently insufficient to determine the role of this variant in disease. Therefore, it has been classified as a Variant of Uncertain Significance.

GeneDx
Classification: Uncertain significance. Last evaluated: 2025-08-06. Review status: criteria provided, single submitter. Criteria: GeneDx Variant Classification Process June 2021. Collection method: clinical testing. Allele origin: germline. Affected: yes.
Comment: In silico analysis supports that this missense variant has a deleterious effect on protein structure/function; Has not been previously published as pathogenic or benign to our knowledge

Ambry Genetics
Classification: Uncertain significance for Inborn genetic diseases. Last evaluated: 2023-09-13. Review status: criteria provided, single submitter. Criteria: Ambry Variant Classification Scheme 2023. Collection method: clinical testing. Allele origin: germline.

Literature cited by the submitters: PubMed 38424693 (cited by Labcorp Genetics (formerly Invitae), Labcorp).